The following is an entry in ClinVar:

ClinVar aggregate classification (germline): Uncertain significance (1 of 4 stars; one submission).

Allele frequency attached by ClinVar (database versions not stated): gnomAD exomes 0.00001; TOPMed 0.00002; gnomAD 0.00003.

Submission:

Labcorp Genetics (formerly Invitae), Labcorp
Classification: Uncertain significance. Last evaluated: 2025-01-18. Review status: criteria provided, single submitter. Criteria: Invitae Variant Classification Sherloc (09022015). Collection method: clinical testing. Allele origin: germline.
Comment: This sequence change replaces isoleucine, which is neutral and non-polar, with valine, which is neutral and non-polar, at codon 271 of the C1S protein (p.Ile271Val). This variant is present in population databases (no rsID available, gnomAD 0.008%). This variant has not been reported in the literature in individuals affected with C1S-related conditions. ClinVar contains an entry for this variant (Variation ID: 2179951). Invitae Evidence Modeling of protein sequence and biophysical properties (such as structural, functional, and spatial information, amino acid conservation, physicochemical variation, residue mobility, and thermodynamic stability) indicates that this missense variant is not expected to disrupt C1S protein function with a negative predictive value of 80%. In summary, the available evidence is currently insufficient to determine the role of this variant in disease. Therefore, it has been classified as a Variant of Uncertain Significance.

NM_001734.5(C1S):c.811A>G (p.Ile271Val)

Gene: C1S (complement C1s; plus strand). Cytogenetic location: 12p13.31.
Variant type: single nucleotide variant.
Coding change: c.811A>G on transcript NM_001734.5 (MANE Select); coding-DNA position 811, A replaced by G.
Protein change: p.Ile271Val; replaces isoleucine 271 with valine.
Molecular consequence: missense variant.
Genome position (GRCh38, 1-based): chr12:7,065,910, A>G. VCF-style: chr12-7065910-A-G. GRCh37 (hg19) VCF-style: chr12-7173214-A-G.
Other names: c.310A>G, p.Ile104Val (NM_001346850.2); c.811A>G, p.Ile271Val (NM_201442.4); short protein forms I104V, I271V.
Identifiers: ClinVar variation 2179951 (VCV002179951.4), dbSNP rs1373712792, ClinGen allele CA383697523.